The following is an entry in ClinVar:

ClinVar aggregate classification (germline): Likely benign. Review status: reviewed by expert panel (3 of 4 stars). 14 submissions from 14 submitters: Likely benign (1). 13 of the submissions do not count toward it. Last evaluated 2017-06-29.

Conditions:
Hereditary breast ovarian cancer syndrome. Also called: BRCA1- and BRCA2-Associated Hereditary Breast and Ovarian Cancer; Hereditary breast and ovarian cancer syndrome; Hereditary breast and ovarian cancer syndrome (HBOC); Breast and ovarian cancer; Hereditary breast and/or ovarian cancer syndrome; Hereditary breast and ovarian cancer. Identifiers: Orphanet 145, MedGen C0677776, MeSH D061325, MONDO:0003582. Disease mechanism: loss of function.
Hereditary cancer-predisposing syndrome. Also called: Hereditary Cancer Syndrome; Hereditary neoplastic syndrome; Neoplastic Syndromes, Hereditary; Tumor predisposition. Identifiers: Orphanet 140162, MedGen C0027672, MeSH D009386, MONDO:0015356.
Breast-ovarian cancer, familial, susceptibility to, 1 (BROVCA1). Also called: BRCA1 Hereditary Breast and Ovarian Cancer; OVARIAN CANCER, SUSCEPTIBILITY TO. Identifiers: Orphanet 145, MedGen C2676676, MONDO:0011450, OMIM 604370. Disease mechanism: loss of function.

Allele frequency attached by ClinVar (database versions not stated): TOPMed 0.00002; gnomAD exomes 0.00006; gnomAD 0.00001; ExAC 0.00002.

Submissions (14):

Evidence-based Network for the Interpretation of Germline Mutant Alleles (ENIGMA)
Classification: Likely benign for Breast-ovarian cancer, familial, susceptibility to, 1. Last evaluated: 2017-06-29. Review status: reviewed by expert panel. Criteria: ENIGMA BRCA1/2 Classification Criteria (2017-06-29). Collection method: curation. Allele origin: germline.
Comment: Synonymous substitution variant, with low bioinformatic likelihood to result in a splicing aberration (Splicing prior probability 0.02).

Labcorp Genetics (formerly Invitae), Labcorp
Classification: Likely benign for Hereditary breast ovarian cancer syndrome. Last evaluated: 2026-01-31. Review status: criteria provided, single submitter. Criteria: Invitae Variant Classification Sherloc (09022015). Collection method: clinical testing. Allele origin: germline. Not counted in ClinVar's aggregate classification.

Molecular Diagnostics Laboratory, Catalan Institute of Oncology
Classification: Benign for Hereditary cancer-predisposing syndrome. Last evaluated: 2024-10-27. Review status: criteria provided, single submitter. Criteria: ClinGen BRCA1BRCA2 ACMG Specifications BRCA1 V1.0.0. Collection method: clinical testing. Allele origin: germline. Not counted in ClinVar's aggregate classification.
Comment: BS1, BP1_Strong c.996G>T, located outside any (potentially) clinically important functional domain of BRCA1, is predicted to result in no splicing alteration (according to SpliceAI) and no amino acid change, p.(Arg332=)(BP1_Strong). This variant is found in 13/34256 with an filter allele frequency of 0.018% in the gnomAD v2.1.1 database (exome Latino non-cancer data set)(BS1). To our knowledge, functional studies have not been reported for this variant. This variant has been reported in the ClinVar database (1x uncertain significance, 8x likely benign, 2x benign) and in BRCAExchange as ‘likely benign’ (Synonymous substitution variant, with low bioinformatic likelihood to result in a splicing aberration (Splicing prior probability 0.02). Based on the currently available information, c.996G>T is classified as a benign variant according to ClinGen-BRCA1 Guidelines version v1.0.0.

Institute for Biomarker Research, Medical Diagnostic Laboratories, L.L.C.
Classification: Likely benign for Hereditary breast ovarian cancer syndrome. Last evaluated: 2023-12-12. Review status: criteria provided, single submitter. Criteria: ACMG Guidelines, 2015. Collection method: clinical testing. Allele origin: germline. Not counted in ClinVar's aggregate classification.

Blueprint Genetics
Classification: Likely benign. Last evaluated: 2023-12-11. Review status: criteria provided, single submitter. Criteria: ACMG Guidelines, 2015. Collection method: clinical testing. Allele origin: germline. Not counted in ClinVar's aggregate classification.

All of Us Research Program, National Institutes of Health
Classification: Likely benign for Breast-ovarian cancer, familial, susceptibility to, 1. Last evaluated: 2023-11-30. Review status: criteria provided, single submitter. Criteria: ACMG Guidelines, 2015. Collection method: clinical testing. Allele origin: germline. Inheritance: Autosomal dominant inheritance. Observed: 5 variant alleles, 5 heterozygotes. Not counted in ClinVar's aggregate classification.
Comment: This study involves interpretation of variants in research participants for the purpose of population health screening. Participant phenotype was not available at the time of variant classification. Additional details can be found in publication PMID: 35346344, PMCID: PMC8962531

KCCC/NGS Laboratory, Kuwait Cancer Control Center
Classification: Likely benign for Breast-ovarian cancer, familial, susceptibility to, 1. Last evaluated: 2023-07-07. Review status: criteria provided, single submitter. Criteria: ACMG Guidelines, 2015. Collection method: clinical testing. Allele origin: germline. Affected: yes. Not counted in ClinVar's aggregate classification.

Quest Diagnostics Nichols Institute San Juan Capistrano
Classification: Benign. Last evaluated: 2019-10-26. Review status: criteria provided, single submitter. Criteria: Quest Diagnostics criteria. Collection method: clinical testing. Allele origin: unknown. Not counted in ClinVar's aggregate classification.

Women's Health and Genetics/Laboratory Corporation of America, LabCorp
Classification: Likely benign. Last evaluated: 2019-08-21. Review status: criteria provided, single submitter. Criteria: LabCorp Variant Classification Summary - May 2015. Collection method: clinical testing. Allele origin: germline. Not counted in ClinVar's aggregate classification.

GeneDx
Classification: Likely benign. Last evaluated: 2018-08-07. Review status: criteria provided, single submitter. Criteria: GeneDx Variant Classification Process June 2021. Collection method: clinical testing. Allele origin: germline. Affected: yes. Not counted in ClinVar's aggregate classification.
Comment: This variant is associated with the following publications: (PMID: 15876480)

PreventionGenetics, part of Exact Sciences
Classification: Likely benign. Last evaluated: 2017-03-27. Review status: criteria provided, single submitter. Criteria: ACMG Guidelines, 2015. Collection method: clinical testing. Allele origin: germline. Not counted in ClinVar's aggregate classification.

Color Diagnostics, LLC DBA Color Health
Classification: Likely benign for Hereditary cancer-predisposing syndrome. Last evaluated: 2016-12-22. Review status: criteria provided, single submitter. Criteria: ACMG Guidelines, 2015. Collection method: clinical testing. Allele origin: germline. Not counted in ClinVar's aggregate classification.

Ambry Genetics
Classification: Likely benign for Hereditary cancer-predisposing syndrome. Last evaluated: 2016-02-08. Review status: criteria provided, single submitter. Criteria: Ambry Variant Classification Scheme 2023. Collection method: clinical testing. Allele origin: germline. Not counted in ClinVar's aggregate classification.

Breast Cancer Information Core (BIC) (BRCA1)
Classification: Uncertain significance for Breast-ovarian cancer, familial 1. Last evaluated: 2003-05-23. Review status: no assertion criteria provided. Collection method: clinical testing. Allele origin: germline. Affected: yes. Observed: 1 variant allele. Not counted in ClinVar's aggregate classification.

Literature cited by the submitters: PubMed 15876480 (cited by Quest Diagnostics Nichols Institute San Juan Capistrano).

NM_007294.4(BRCA1):c.996G>T (p.Arg332=)

Gene: BRCA1 (BRCA1 DNA repair associated; minus strand). Cytogenetic location: 17q21.31.
Variant type: single nucleotide variant.
Coding change: c.996G>T on transcript NM_007294.4 (MANE Select); coding-DNA position 996, G replaced by T.
Protein change: p.Arg332=; no amino-acid change (arginine 332 retained).
Molecular consequence: synonymous variant. On other transcripts: intron variant (137).
Genome position (GRCh38, 1-based): chr17:43,094,535, C>A on the plus strand (G>T on the coding strand, the complement: BRCA1 is on the minus strand). VCF-style: chr17-43094535-C-A. GRCh37 (hg19) VCF-style: chr17-41246552-C-A.
Other names: R332R; c.996G>T (NM_007300.3); c.873G>T, p.Arg291= (NM_001407675.1, NM_001407676.1, NM_001407677.1 and 19 more transcripts); c.996G>T, p.Arg332= (NM_001407684.1, NM_001407854.1, NM_001407858.1 and 30 more transcripts); c.870G>T, p.Arg290= (NM_001407685.1, NM_001407686.1, NM_001407687.1 and 11 more transcripts); c.855G>T, p.Arg285= (NM_001407692.1, NM_001407694.1, NM_001407695.1 and 29 more transcripts); c.852G>T, p.Arg284= (NM_001407740.1, NM_001407741.1, NM_001407742.1 and 20 more transcripts); c.783G>T, p.Arg261= (NM_001407853.1, NM_001407894.1, NM_001407895.1 and 9 more transcripts); and 42 more.
Identifiers: ClinVar variation 55777 (VCV000055777.29), dbSNP rs80356836, ClinGen allele CA004006.
Genomic context (GRCh38, chr17:43,094,535, plus strand): 5'-TTCTTTTCTCTCACACAGGGGATCAGCATTCAGATCTACCTTTTTTTCTGTGCTGGGAGT[C>A]CGCCTATCATTACATGTTTCCTTACTTCCAGCCCATCTGTTATGTTGGCTCCTTGCTAAG-3'
Protein context (NP_009225.1, residues 322-342): AGSKETCNDR[Arg332=]TPSTEKKVDL